The following is an entry in ClinVar:

NM_144997.7(FLCN):c.389G>A (p.Ser130Asn)

Gene: FLCN (folliculin; minus strand). Cytogenetic location: 17p11.2.
Variant type: single nucleotide variant.
Coding change: c.389G>A on transcript NM_144997.7 (MANE Select); coding-DNA position 389, G replaced by A.
Protein change: p.Ser130Asn; replaces serine 130 with asparagine.
Molecular consequence: missense variant.
Genome position (GRCh38, 1-based): chr17:17,226,183, C>T on the plus strand (G>A on the coding strand, the complement: FLCN is on the minus strand). VCF-style: chr17-17226183-C-T. GRCh37 (hg19) VCF-style: chr17-17129497-C-T.
Other names: c.389G>A, p.Ser130Asn (NM_001353229.2, NM_001353230.2, NM_001353231.2 and 1 more transcripts); short protein forms S130N.
Identifiers: ClinVar variation 1400947 (VCV001400947.8), dbSNP rs2145010034, ClinGen allele CA398534690.

ClinVar aggregate classification (germline): Uncertain significance (1 of 4 stars; one submission).

Conditions:
Birt-Hogg-Dube syndrome. Also called: Birt Hogg Dubé syndrome. Identifiers: Orphanet 122, MedGen C0346010, MONDO:0800444.

Submission:

Labcorp Genetics (formerly Invitae), Labcorp
Classification: Uncertain significance for Birt-Hogg-Dube syndrome. Last evaluated: 2021-06-14. Review status: criteria provided, single submitter. Criteria: Invitae Variant Classification Sherloc (09022015). Collection method: clinical testing. Allele origin: germline.
Comment: This variant has not been reported in the literature in individuals with FLCN-related conditions. Algorithms developed to predict the effect of missense changes on protein structure and function (SIFT, PolyPhen-2, Align-GVGD) all suggest that this variant is likely to be disruptive, but these predictions have not been confirmed by published functional studies and their clinical significance is uncertain. This variant is not present in population databases (ExAC no frequency). This sequence change replaces serine with asparagine at codon 130 of the FLCN protein (p.Ser130Asn). The serine residue is highly conserved and there is a small physicochemical difference between serine and asparagine. In summary, the available evidence is currently insufficient to determine the role of this variant in disease. Therefore, it has been classified as a Variant of Uncertain Significance.